The following is an entry in ClinVar:

NM_005888.4(SLC25A3):c.158-1_164del

Gene: SLC25A3 (solute carrier family 25 member 3; plus strand). Cytogenetic location: 12q23.1.
Variant type: Deletion.
Coding change: c.158-1_164del on transcript NM_005888.4 (MANE Plus Clinical); the canonical splice acceptor site of the intron before coding-DNA position 158 through coding-DNA position 164, 8 bases deleted (GAGCAGTA; older notation c.158-1_164delGAGCAGTA).
Molecular consequence: splice acceptor variant. On other transcripts: intron variant (2).
Genome position (GRCh38, 1-based): chr12:98,595,432-98,595,439, GAGCAGTA deleted; deleting any 8 consecutive bases within chr12:98,595,431-98,595,439 gives the same sequence; the c. name uses the placement nearest the transcript's 3' end. VCF-style (leftmost placement, unchanged base first): chr12-98595430-CAGAGCAGT-C. GRCh37 (hg19) VCF-style: chr12-98989208-CAGAGCAGT-C.
Other names: c.158-295_158-288del (NM_213611.3, NM_002635.4).
Identifiers: ClinVar variation 4724978 (VCV004724978.1).
Genomic context (GRCh38, chr12:98,595,430, plus strand): 5'-TCCAGTGGCCTTAGTCATCTCTGAAGAAATACTTACTTGATTTTTTTTTTTCCAATCAAA[CAGAGCAGT>C]ATAGCTGTGACTATGGATCTGGCAGATTCTTTATCCTTTGTGGACTTGGAGGAATTATTA-3'

ClinVar aggregate classification (germline): Likely pathogenic (1 of 4 stars; one submission).

Submission:

Labcorp Genetics (formerly Invitae), Labcorp
Classification: Likely pathogenic. Last evaluated: 2025-08-17. Review status: criteria provided, single submitter. Criteria: Invitae Variant Classification Sherloc (09022015). Collection method: clinical testing. Allele origin: germline.
Comment: This variant results in the deletion of part of exon 3 (c.158-1_164del) of the SLC25A3 gene. It is expected to disrupt RNA splicing. Variants that disrupt the donor or acceptor splice site typically lead to a loss of protein function (PMID: 16199547), and loss-of-function variants in SLC25A3 are known to be pathogenic (PMID: 17273968, 21763135). This variant is not present in population databases (gnomAD no frequency). This variant has not been reported in the literature in individuals affected with SLC25A3-related conditions. In summary, the currently available evidence indicates that the variant is pathogenic, but additional data are needed to prove that conclusively. Therefore, this variant has been classified as Likely Pathogenic.

Literature cited by the submitters: PubMed 16199547; PubMed 17273968; PubMed 21763135.